The following is an entry in ClinVar:

ClinVar aggregate classification (germline): Pathogenic (1 of 4 stars; one submission).

Conditions:
Imerslund-Grasbeck syndrome. Also called: PERNICIOUS ANEMIA, JUVENILE, DUE TO SELECTIVE INTESTINAL MALABSORPTION OF VITAMIN B12, WITH PROTEINURIA; ENTEROCYTE COBALAMIN MALABSORPTION; ENTEROCYTE INTRINSIC FACTOR RECEPTOR, DEFECT OF; Megaloblastic anemia due to inborn errors of metabolism; Imerslund-Gräsbeck syndrome. Identifiers: Orphanet 35858, MedGen C4551825, MONDO:0009853.

Submission:

Labcorp Genetics (formerly Invitae), Labcorp
Classification: Pathogenic for Imerslund-Grasbeck syndrome. Last evaluated: 2019-10-03. Review status: criteria provided, single submitter. Criteria: Invitae Variant Classification Sherloc (09022015). Collection method: clinical testing. Allele origin: germline.
Comment: For these reasons, this variant has been classified as Pathogenic. Loss-of-function variants in AMN are known to be pathogenic (PMID: 12590260, 22929189). This variant has not been reported in the literature in individuals with AMN-related conditions. This variant is not present in population databases (ExAC no frequency). This sequence change creates a premature translational stop signal (p.Phe265Ilefs*2) in the AMN gene. It is expected to result in an absent or disrupted protein product.

Literature cited by the submitters: PubMed 12590260; PubMed 22929189.

NM_030943.4(AMN):c.791dup (p.Phe265fs)

Gene: AMN (amnion associated transmembrane protein; plus strand). Cytogenetic location: 14q32.32.
Variant type: Duplication.
Coding change: c.791dup on transcript NM_030943.4 (MANE Select); coding-DNA position 791, one base duplicated (C; older notation c.791dupC).
Protein change: p.Phe265fs; shifts the reading frame from phenylalanine 265.
Molecular consequence: frameshift variant.
Genome position (GRCh38, 1-based): chr14:102,929,685, C duplicated. VCF-style (leftmost placement, unchanged base first): chr14-102929684-G-GC. GRCh37 (hg19) VCF-style: chr14-103396021-G-GC.
Other names: short protein forms F265fs.
Identifiers: ClinVar variation 937588 (VCV000937588.8), dbSNP rs2139311251, ClinGen allele CA1139663760.